The following is an entry in ClinVar:

NM_032043.3(BRIP1):c.2707C>A (p.Gln903Lys)

Gene: BRIP1 (BRCA1 interacting DNA helicase 1; minus strand). Cytogenetic location: 17q23.2.
Variant type: single nucleotide variant.
Coding change: c.2707C>A on transcript NM_032043.3 (MANE Select); coding-DNA position 2707, C replaced by A.
Protein change: p.Gln903Lys; replaces glutamine 903 with lysine.
Molecular consequence: missense variant.
Genome position (GRCh38, 1-based): chr17:61,686,034, G>T on the plus strand (C>A on the coding strand, the complement: BRIP1 is on the minus strand). VCF-style: chr17-61686034-G-T. GRCh37 (hg19) VCF-style: chr17-59763395-G-T.
Other names: short protein forms Q903K.
Identifiers: ClinVar variation 642457 (VCV000642457.15), dbSNP rs1603276837, ClinGen allele CA400481699.

ClinVar aggregate classification (germline): Conflicting classifications of pathogenicity. Review status: criteria provided, conflicting classifications (1 of 4 stars). 3 submissions from 3 submitters: Uncertain significance (2); Likely benign (1). Last evaluated 2024-08-27.

Conditions:
Hereditary cancer-predisposing syndrome. Also called: Neoplastic Syndromes, Hereditary; Hereditary Cancer Syndrome; Hereditary neoplastic syndrome; Tumor predisposition. Identifiers: Orphanet 140162, MedGen C0027672, MeSH D009386, MONDO:0015356.
Familial cancer of breast. Also called: hereditary breast carcinoma; BREAST CANCER, FAMILIAL; Hereditary breast cancer. Identifiers: Orphanet 227535, MedGen C0346153, MONDO:0016419, OMIM 114480. Disease mechanism: loss of function.
Fanconi anemia complementation group J. Also called: BRIP1-Related Fanconi Anemia. Identifiers: Orphanet 84, MedGen C1836860, MONDO:0012187, OMIM 609054.

Submissions (3):

Ambry Genetics
Classification: Likely benign for Hereditary cancer-predisposing syndrome. Last evaluated: 2024-08-27. Review status: criteria provided, single submitter. Criteria: Ambry Variant Classification Scheme 2023. Collection method: clinical testing. Allele origin: germline.

Color Diagnostics, LLC DBA Color Health
Classification: Uncertain significance for Hereditary cancer-predisposing syndrome. Last evaluated: 2024-03-07. Review status: criteria provided, single submitter. Criteria: ACMG Guidelines, 2015. Collection method: clinical testing. Allele origin: germline.
Comment: This missense variant replaces glutamine with lysine at codon 903 of the BRIP1 protein. Computational prediction tool suggests that this variant may not impact protein structure and function (internally defined REVEL score threshold <=0.5, PMID: 27666373). Splice site prediction tools suggest that this variant may not impact RNA splicing. To our knowledge, functional studies have not been performed for this variant. This variant has not been reported in individuals affected with hereditary cancer in the literature. This variant has not been identified in the general population by the Genome Aggregation Database (gnomAD). The available evidence is insufficient to determine the role of this variant in disease conclusively. Therefore, this variant is classified as a Variant of Uncertain Significance.

Labcorp Genetics (formerly Invitae), Labcorp
Classification: Uncertain significance for Familial cancer of breast; Fanconi anemia complementation group J. Last evaluated: 2024-02-04. Review status: criteria provided, single submitter. Criteria: Invitae Variant Classification Sherloc (09022015). Collection method: clinical testing. Allele origin: germline.
Comment: This sequence change replaces glutamine, which is neutral and polar, with lysine, which is basic and polar, at codon 903 of the BRIP1 protein (p.Gln903Lys). This variant is not present in population databases (gnomAD no frequency). This variant has not been reported in the literature in individuals affected with BRIP1-related conditions. ClinVar contains an entry for this variant (Variation ID: 642457). Advanced modeling of protein sequence and biophysical properties (such as structural, functional, and spatial information, amino acid conservation, physicochemical variation, residue mobility, and thermodynamic stability) performed at Invitae indicates that this missense variant is not expected to disrupt BRIP1 protein function with a negative predictive value of 80%. In summary, the available evidence is currently insufficient to determine the role of this variant in disease. Therefore, it has been classified as a Variant of Uncertain Significance.